The following is an entry in ClinVar:

ClinVar aggregate classification (germline): Conflicting classifications of pathogenicity. Review status: criteria provided, conflicting classifications (1 of 4 stars). 3 submissions from 3 submitters: Uncertain significance (1); Likely benign (2). Last evaluated 2023-05-27.

Conditions:
Autosomal recessive nonsyndromic hearing loss 49. Also called: Deafness, neurosensory, autosomal recessive 49. Identifiers: Orphanet 90636, MedGen C1857811, MONDO:0012420, OMIM 610153.

Allele frequency attached by ClinVar (database versions not stated): gnomAD exomes 0.00004; gnomAD 0.00006; TOPMed 0.00009; ExAC 0.00012; 1000 Genomes Project 30x 0.00016; 1000 Genomes Project 0.00020.
gnomAD v4.1: 66 of 1,614,126 alleles (0.0041%); highest among the groups gnomAD compares: East Asian, 0.058%; no homozygotes.

Submissions (3):

Labcorp Genetics (formerly Invitae), Labcorp
Classification: Likely benign. Last evaluated: 2023-05-27. Review status: criteria provided, single submitter. Criteria: Invitae Variant Classification Sherloc (09022015). Collection method: clinical testing. Allele origin: germline.

Illumina Laboratory Services, Illumina
Classification: Uncertain significance for Autosomal recessive nonsyndromic hearing loss 49. Last evaluated: 2018-01-12. Review status: criteria provided, single submitter. Criteria: ICSL Variant Classification Criteria 13 December 2019. Collection method: clinical testing. Allele origin: germline.

Laboratory for Molecular Medicine, Mass General Brigham Personalized Medicine
Classification: Likely benign. Last evaluated: 2015-07-20. Review status: criteria provided, single submitter. Criteria: LMM Criteria. Collection method: clinical testing. Allele origin: germline. Observed: 2 variant alleles.
Comment: p.Pro102Pro in exon 2 of MARVELD2: This variant is not expected to have clinical significance because it does not alter an amino acid residue and is not located within the splice consensus sequence. It has been identified in 0.1% (9/8624) o f Asian chromosomes by the Exome Aggregation Consortium (ExAC; dbSNP rs181575833).

NM_001038603.3(MARVELD2):c.306G>A (p.Pro102=)

Gene: MARVELD2 (MARVEL domain containing 2; plus strand). Cytogenetic location: 5q13.2.
Variant type: single nucleotide variant.
Coding change: c.306G>A on transcript NM_001038603.3 (MANE Select); coding-DNA position 306, G replaced by A.
Protein change: p.Pro102=; no amino-acid change (proline 102 retained).
Molecular consequence: synonymous variant.
Genome position (GRCh38, 1-based): chr5:69,419,691, G>A. VCF-style: chr5-69419691-G-A. GRCh37 (hg19) VCF-style: chr5-68715518-G-A.
Other names: c.306G>A, p.Pro102= (NM_001244734.2).
Identifiers: ClinVar variation 227543 (VCV000227543.12), dbSNP rs181575833, ClinGen allele CA3294015.